The following is an entry in ClinVar:

ClinVar aggregate classification (germline): Uncertain significance (1 of 4 stars; one submission).

Allele frequency attached by ClinVar (database versions not stated): gnomAD exomes 0.00001 and 0.00002; ExAC 0.00002; gnomAD 0.00002 and 0.00003; TOPMed 0.00002.
gnomAD v4.1: 18 of 1,613,618 alleles (0.0011%); highest among the groups gnomAD compares: Admixed American, 0.0033%; no homozygotes.

Submission:

Labcorp Genetics (formerly Invitae), Labcorp
Classification: Uncertain significance. Last evaluated: 2024-04-29. Review status: criteria provided, single submitter. Criteria: Invitae Variant Classification Sherloc (09022015). Collection method: clinical testing. Allele origin: germline.
Comment: This sequence change replaces lysine, which is basic and polar, with glutamic acid, which is acidic and polar, at codon 319 of the CEP63 protein (p.Lys319Glu). This variant is present in population databases (rs199905683, gnomAD 0.003%). This variant has not been reported in the literature in individuals affected with CEP63-related conditions. ClinVar contains an entry for this variant (Variation ID: 1432808). Advanced modeling of protein sequence and biophysical properties (such as structural, functional, and spatial information, amino acid conservation, physicochemical variation, residue mobility, and thermodynamic stability) performed at Invitae indicates that this missense variant is not expected to disrupt CEP63 protein function with a negative predictive value of 80%. In summary, the available evidence is currently insufficient to determine the role of this variant in disease. Therefore, it has been classified as a Variant of Uncertain Significance.

NM_001353108.3(CEP63):c.955A>G (p.Lys319Glu)

Gene: CEP63 (centrosomal protein 63; plus strand). Cytogenetic location: 3q22.2.
Variant type: single nucleotide variant.
Coding change: c.955A>G on transcript NM_001353108.3 (MANE Select); coding-DNA position 955, A replaced by G.
Protein change: p.Lys319Glu; replaces lysine 319 with glutamic acid.
Molecular consequence: missense variant. On other transcripts: non-coding transcript variant (1), intron variant (12).
Genome position (GRCh38, 1-based): chr3:134,547,360, A>G. VCF-style: chr3-134547360-A-G. GRCh37 (hg19) VCF-style: chr3-134266202-A-G.
Other names: c.955A>G, p.Lys319Glu (NM_001042400.3, NM_001353110.1, NM_001353111.2 and 4 more transcripts); c.929+1072A>G (NM_001042384.2, NM_001353122.1, NM_001353109.1 and 6 more transcripts); c.956+1072A>G (NM_001353118.1); c.566+1072A>G (NM_001353126.2); c.845+1072A>G (NM_001353125.2); short protein forms K319E.
Identifiers: ClinVar variation 1432808 (VCV001432808.8), dbSNP rs199905683, ClinGen allele CA2628543.